The following is an entry in ClinVar:

ClinVar aggregate classification (germline): Uncertain significance (1 of 4 stars; one submission).

Conditions:
Purine-nucleoside phosphorylase deficiency. Also called: NUCLEOSIDE PHOSPHORYLASE DEFICIENCY; Immunodeficiency due to purine nucleoside phosphorylase deficiency. Identifiers: Orphanet 760, MedGen C0268125, MONDO:0013171, OMIM 613179.

Allele frequency attached by ClinVar (database versions not stated): gnomAD exomes 0.00001.
gnomAD v4.1: 2 of 1,614,096 alleles (0.00012%); highest among the groups gnomAD compares: Admixed American, 0.0033%; no homozygotes.

Submission:

Labcorp Genetics (formerly Invitae), Labcorp
Classification: Uncertain significance for Purine-nucleoside phosphorylase deficiency. Last evaluated: 2022-09-07. Review status: criteria provided, single submitter. Criteria: Invitae Variant Classification Sherloc (09022015). Collection method: clinical testing. Allele origin: germline.
Comment: This sequence change replaces aspartic acid, which is acidic and polar, with glutamic acid, which is acidic and polar, at codon 49 of the PNP protein (p.Asp49Glu). This variant is present in population databases (no rsID available, gnomAD 0.006%). This variant has not been reported in the literature in individuals affected with PNP-related conditions. ClinVar contains an entry for this variant (Variation ID: 1398460). Algorithms developed to predict the effect of missense changes on protein structure and function output the following: SIFT: "Tolerated"; PolyPhen-2: "Benign"; Align-GVGD: "Class C0". The glutamic acid amino acid residue is found in multiple mammalian species, which suggests that this missense change does not adversely affect protein function. Algorithms developed to predict the effect of sequence changes on RNA splicing suggest that this variant may create or strengthen a splice site. In summary, the available evidence is currently insufficient to determine the role of this variant in disease. Therefore, it has been classified as a Variant of Uncertain Significance.

NM_000270.4(PNP):c.147C>G (p.Asp49Glu)

Gene: PNP (purine nucleoside phosphorylase; plus strand). Cytogenetic location: 14q11.2.
Variant type: single nucleotide variant.
Coding change: c.147C>G on transcript NM_000270.4 (MANE Select); coding-DNA position 147, C replaced by G.
Protein change: p.Asp49Glu; replaces aspartic acid 49 with glutamic acid.
Molecular consequence: missense variant.
Genome position (GRCh38, 1-based): chr14:20,472,443, C>G. VCF-style: chr14-20472443-C-G. GRCh37 (hg19) VCF-style: chr14-20940602-C-G.
Other names: short protein forms D49E.
Identifiers: ClinVar variation 1398460 (VCV001398460.3), dbSNP rs1262866497, ClinGen allele CA389144746.